The following is an entry in ClinVar:

ClinVar aggregate classification (germline): Benign/Likely benign. Review status: criteria provided, multiple submitters, no conflicts (2 of 4 stars). 3 submissions from 3 submitters: Benign (1); Likely benign (2). Last evaluated 2026-08-13.

Conditions:
KIAA1549-related disorder. Also called: KIAA1549-related condition.

Allele frequency attached by ClinVar (database versions not stated): gnomAD exomes 0.00013 and 0.00029; ExAC 0.00032; ESP Exome Variant Server 0.00112; 1000 Genomes Project 0.00120; 1000 Genomes Project 30x 0.00141; gnomAD 0.00146 and 0.00157; TOPMed 0.00157.
gnomAD v4.1: 434 of 1,613,988 alleles (0.027%); highest among the groups gnomAD compares: African/African-American, 0.47%; 2 homozygotes.

Submissions (3):

PreventionGenetics, part of Exact Sciences
Classification: Likely benign for KIAA1549-related condition. Last evaluated: 2026-08-13. Review status: criteria provided, single submitter. Criteria: ACMG Guidelines, 2015. Collection method: clinical testing. Allele origin: germline.
Comment: This variant is classified as likely benign based on ACMG/AMP sequence variant interpretation guidelines (Richards et al. 2015 PMID: 25741868, with internal and published modifications).

Labcorp Genetics (formerly Invitae), Labcorp
Classification: Benign. Last evaluated: 2026-01-26. Review status: criteria provided, single submitter. Criteria: Invitae Variant Classification Sherloc (09022015). Collection method: clinical testing. Allele origin: germline.

Blueprint Genetics
Classification: Likely benign. Last evaluated: 2024-10-22. Review status: criteria provided, single submitter. Criteria: ACMG Guidelines, 2015. Collection method: clinical testing. Allele origin: germline.

NM_001164665.2(KIAA1549):c.1155C>T (p.Ser385=)

Gene: KIAA1549 (KIAA1549; minus strand). Cytogenetic location: 7q34.
Variant type: single nucleotide variant.
Coding change: c.1155C>T on transcript NM_001164665.2 (MANE Select); coding-DNA position 1155, C replaced by T.
Protein change: p.Ser385=; no amino-acid change (serine 385 retained).
Molecular consequence: synonymous variant.
Genome position (GRCh38, 1-based): chr7:138,918,471, G>A on the plus strand (C>T on the coding strand, the complement: KIAA1549 is on the minus strand). VCF-style: chr7-138918471-G-A. GRCh37 (hg19) VCF-style: chr7-138603217-G-A.
Other names: c.1155C>T, p.Ser385= (NM_020910.3).
Identifiers: ClinVar variation 739020 (VCV000739020.13), dbSNP rs140043575, ClinGen allele CA4506790.